The following is an entry in ClinVar:

NM_078629.4(MSL3):c.629T>G (p.Leu210Trp)

Gene: MSL3 (MSL complex subunit 3; plus strand). Cytogenetic location: Xp22.2.
Variant type: single nucleotide variant.
Coding change: c.629T>G on transcript NM_078629.4 (MANE Select); coding-DNA position 629, T replaced by G.
Protein change: p.Leu210Trp; replaces leucine 210 with tryptophan.
Molecular consequence: missense variant.
Genome position (GRCh38, 1-based): chrX:11,762,877, T>G. VCF-style: chrX-11762877-T-G. GRCh37 (hg19) VCF-style: chrX-11780996-T-G.
Other names: c.593T>G, p.Leu198Trp (NM_001193270.2); c.182T>G, p.Leu61Trp (NM_001282174.1); c.131T>G, p.Leu44Trp (NM_006800.4); c.629T>G, p.Leu210Trp (NM_078628.2); short protein forms L198W, L210W, L44W, L61W.
Identifiers: ClinVar variation 5037715 (VCV005037715.1).

ClinVar aggregate classification (germline): Uncertain significance (1 of 4 stars; one submission).

Submission:

GeneDx
Classification: Uncertain significance. Last evaluated: 2026-04-19. Review status: criteria provided, single submitter. Criteria: GeneDx Variant Classification Process June 2021. Collection method: clinical testing. Allele origin: germline.
Comment: Not observed at significant frequency in large population cohorts (gnomAD); In silico analysis supports that this missense variant has a deleterious effect on protein structure/function; Has not been previously published as pathogenic or benign to our knowledge